The following is an entry in ClinVar:

ClinVar aggregate classification (germline): Uncertain significance (1 of 4 stars; one submission).

Conditions:
Hereditary cancer-predisposing syndrome. Also called: Hereditary Cancer Syndrome; Hereditary neoplastic syndrome; Tumor predisposition; Neoplastic Syndromes, Hereditary. Identifiers: Orphanet 140162, MedGen C0027672, MeSH D009386, MONDO:0015356.

Submission:

Ambry Genetics
Classification: Uncertain significance for Hereditary cancer-predisposing syndrome. Last evaluated: 2024-10-05. Review status: criteria provided, single submitter. Criteria: Ambry Variant Classification Scheme 2023. Collection method: clinical testing. Allele origin: germline.
Comment: The p.N669I variant (also known as c.2006A>T), located in coding exon 11 of the ALK gene, results from an A to T substitution at nucleotide position 2006. The asparagine at codon 669 is replaced by isoleucine, an amino acid with dissimilar properties. This amino acid position is conserved. In addition, this alteration is predicted to be tolerated by in silico analysis. Based on the available evidence, the clinical significance of this variant remains unclear.

NM_004304.5(ALK):c.2006A>T (p.Asn669Ile)

Gene: ALK (ALK receptor tyrosine kinase; minus strand). Cytogenetic location: 2p23.2.
Variant type: single nucleotide variant.
Coding change: c.2006A>T on transcript NM_004304.5 (MANE Select); coding-DNA position 2006, A replaced by T.
Protein change: p.Asn669Ile; replaces asparagine 669 with isoleucine.
Molecular consequence: missense variant.
Genome position (GRCh38, 1-based): chr2:29,275,134, T>A on the plus strand (A>T on the coding strand, the complement: ALK is on the minus strand). VCF-style: chr2-29275134-T-A. GRCh37 (hg19) VCF-style: chr2-29498000-T-A.
Other names: short protein forms N669I.
Identifiers: ClinVar variation 3524817 (VCV003524817.1).
Genomic context (GRCh38, chr2:29,275,134, plus strand): 5'-TCACATTTGTGAGCTGAACCCTTACCTGTAGGGTCAAAGATGGGGGTCTGTCTTGGTGAA[T>A]TTTCCCCGGGTTTCAGCTCCTTGTTTGGGTTTCTCTCAAACAGGTTTCTTGATTTGGGTG-3'
Protein context (NP_004295.2, residues 659-679): NPNKELKPGE[Asn669Ile]SPRQTPIFDP